The following is an entry in ClinVar:

ClinVar aggregate classification (germline): Conflicting classifications of pathogenicity. Review status: criteria provided, conflicting classifications (1 of 4 stars). 4 submissions from 4 submitters: Uncertain significance (3); Likely benign (1). Last evaluated 2024-11-18.

Conditions:
Hereditary cancer-predisposing syndrome. Also called: Neoplastic Syndromes, Hereditary; Tumor predisposition; Hereditary Cancer Syndrome; Hereditary neoplastic syndrome. Identifiers: Orphanet 140162, MedGen C0027672, MeSH D009386, MONDO:0015356.
Hereditary nonpolyposis colorectal neoplasms. Identifiers: MedGen C0009405, MeSH D003123.
Lynch syndrome. Identifiers: Orphanet 144, MedGen C4552100, MONDO:0005835. Disease mechanism: loss of function.

Allele frequency attached by ClinVar (database versions not stated): gnomAD exomes below 0.00001.
gnomAD v4.1: 4 of 1,614,026 alleles (0.00025%); highest among the groups gnomAD compares: Middle Eastern, 0.016%; no homozygotes.

Submissions (4):

Labcorp Genetics (formerly Invitae), Labcorp
Classification: Likely benign for Hereditary nonpolyposis colorectal neoplasms. Last evaluated: 2024-11-18. Review status: criteria provided, single submitter. Criteria: Invitae Variant Classification Sherloc (09022015). Collection method: clinical testing. Allele origin: germline.

All of Us Research Program, National Institutes of Health
Classification: Uncertain significance for Lynch syndrome. Last evaluated: 2024-05-14. Review status: criteria provided, single submitter. Criteria: ACMG Guidelines, 2015. Collection method: clinical testing. Allele origin: germline. Inheritance: Autosomal dominant inheritance. Observed: 1 variant allele, 1 heterozygote.
Comment: This missense variant replaces alanine with valine at codon 680 of the MSH6 protein. Computational prediction suggests that this variant may have deleterious impact on protein structure and function (internally defined REVEL score threshold >= 0.7, PMID: 27666373). Splice site prediction tools suggest that this variant may not impact RNA splicing. To our knowledge, functional studies have not been performed for this variant. This variant has not been reported in individuals affected with hereditary cancer in the literature. This variant has been identified in 1/250648 chromosomes in the general population by the Genome Aggregation Database (gnomAD). The available evidence is insufficient to determine the role of this variant in disease conclusively. Therefore, this variant is classified as a Variant of Uncertain Significance.

This study involves interpretation of variants in research participants for the purpose of population health screening. Participant phenotype was not available at the time of variant classification. Additional details can be found in publication PMID: 35346344, PMCID: PMC8962531

Color Diagnostics, LLC DBA Color Health
Classification: Uncertain significance for Hereditary cancer-predisposing syndrome. Last evaluated: 2024-04-25. Review status: criteria provided, single submitter. Criteria: ACMG Guidelines, 2015. Collection method: clinical testing. Allele origin: germline.
Comment: This missense variant replaces alanine with valine at codon 680 of the MSH6 protein. Computational prediction suggests that this variant may have deleterious impact on protein structure and function (internally defined REVEL score threshold >= 0.7, PMID: 27666373). To our knowledge, functional studies have not been reported for this variant. This variant has not been reported in an individual affected with rectal adenocarcinoma (PMID: 37658412). This variant has been identified in 1/250648 chromosomes in the general population by the Genome Aggregation Database (gnomAD). The available evidence is insufficient to determine the role of this variant in disease conclusively. Therefore, this variant is classified as a Variant of Uncertain Significance.

Ambry Genetics
Classification: Uncertain significance for Hereditary cancer-predisposing syndrome. Last evaluated: 2022-09-14. Review status: criteria provided, single submitter. Criteria: Ambry Variant Classification Scheme 2023. Collection method: clinical testing. Allele origin: germline.
Comment: The p.A680V variant (also known as c.2039C>T), located in coding exon 4 of the MSH6 gene, results from a C to T substitution at nucleotide position 2039. The alanine at codon 680 is replaced by valine, an amino acid with similar properties. This amino acid position is well conserved in available vertebrate species. In addition, this alteration is predicted to be deleterious by in silico analysis. Since supporting evidence is limited at this time, the clinical significance of this alteration remains unclear.

Literature cited by the submitters: PubMed 37658412 (cited by Color Diagnostics, LLC DBA Color Health).

NM_000179.3(MSH6):c.2039C>T (p.Ala680Val)

Gene: MSH6 (mutS homolog 6; plus strand). Cytogenetic location: 2p16.3.
Variant type: single nucleotide variant.
Coding change: c.2039C>T on transcript NM_000179.3 (MANE Select); coding-DNA position 2039, C replaced by T.
Protein change: p.Ala680Val; replaces alanine 680 with valine.
Molecular consequence: missense variant.
Genome position (GRCh38, 1-based): chr2:47,800,022, C>T. VCF-style: chr2-47800022-C-T. GRCh37 (hg19) VCF-style: chr2-48027161-C-T.
Other names: c.1649C>T, p.Ala550Val (NM_001281492.2); c.1133C>T, p.Ala378Val (NM_001281493.2, NM_001281494.2); short protein forms A378V, A550V, A680V.
Identifiers: ClinVar variation 651717 (VCV000651717.20), dbSNP rs1558664035, ClinGen allele CA346750742.
Genomic context (GRCh38, chr2:47,800,022, plus strand): 5'-AAGGTATGACTTCAGAGTCTGATTCCATTGGGTTGACACCAGGAGAGAAAAGTGAATTGG[C>T]CCTCTCTGCTCTAGGTGGTTGTGTCTTCTACCTCAAAAAATGCCTTATTGATCAGGAGCT-3'
Protein context (NP_000170.1, residues 670-690): GLTPGEKSEL[Ala680Val]LSALGGCVFY